The following is an entry in ClinVar:

NM_006393.3(NEBL):c.480T>G (p.Asn160Lys)

Gene: NEBL (nebulette; minus strand). Cytogenetic location: 10p12.31.
Variant type: single nucleotide variant.
Coding change: c.480T>G on transcript NM_006393.3 (MANE Select); coding-DNA position 480, T replaced by G.
Protein change: p.Asn160Lys; replaces asparagine 160 with lysine.
Molecular consequence: missense variant. On other transcripts: intron variant (9).
Genome position (GRCh38, 1-based): chr10:20,880,794, A>C on the plus strand (T>G on the coding strand, the complement: NEBL is on the minus strand). VCF-style: chr10-20880794-A-C. GRCh37 (hg19) VCF-style: chr10-21169723-A-C.
Other names: c.250-67854T>G (NM_001377326.1, NM_001377327.1, NM_001377328.1); c.358-67854T>G (NM_213569.2, NM_001173484.2, NM_001377322.1); c.301-67854T>G (NM_001377324.1); c.292-67854T>G (NM_001377325.1); c.310-67854T>G (NM_001377323.1); short protein forms N160K.
Identifiers: ClinVar variation 2053870 (VCV002053870.4), dbSNP rs2492436627, ClinGen allele CA376104382.

ClinVar aggregate classification (germline): Uncertain significance (1 of 4 stars; one submission).

Conditions:
Primary dilated cardiomyopathy (DCM). Also called: Dilated Cardiomyopathy. Identifiers: Orphanet 217604, MedGen C0007193, MeSH D002311, MONDO:0005021, HP:0001644. Inheritance: Various modes of inheritance.

Allele frequency attached by ClinVar (database versions not stated): gnomAD exomes below 0.00001.
gnomAD v4.1: 2 of 1,604,798 alleles (0.00012%); highest among the groups gnomAD compares: Non-Finnish European, 0.00017%; no homozygotes.

Submission:

Labcorp Genetics (formerly Invitae), Labcorp
Classification: Uncertain significance for Primary dilated cardiomyopathy. Last evaluated: 2022-05-06. Review status: criteria provided, single submitter. Criteria: Invitae Variant Classification Sherloc (09022015). Collection method: clinical testing. Allele origin: germline.
Comment: In summary, the available evidence is currently insufficient to determine the role of this variant in disease. Therefore, it has been classified as a Variant of Uncertain Significance. Algorithms developed to predict the effect of missense changes on protein structure and function are either unavailable or do not agree on the potential impact of this missense change (SIFT: "Deleterious"; PolyPhen-2: "Benign"; Align-GVGD: "Class C35"). This variant has not been reported in the literature in individuals affected with NEBL-related conditions. This variant is not present in population databases (gnomAD no frequency). This sequence change replaces asparagine, which is neutral and polar, with lysine, which is basic and polar, at codon 160 of the NEBL protein (p.Asn160Lys).